The following is an entry in ClinVar:

NM_000336.3(SCNN1B):c.1568G>A (p.Gly523Asp)

Gene: SCNN1B (sodium channel epithelial 1 subunit beta; plus strand). Cytogenetic location: 16p12.2.
Variant type: single nucleotide variant.
Coding change: c.1568G>A on transcript NM_000336.3 (MANE Select); coding-DNA position 1568, G replaced by A.
Protein change: p.Gly523Asp; replaces glycine 523 with aspartic acid.
Molecular consequence: missense variant.
Genome position (GRCh38, 1-based): chr16:23,380,446, G>A. VCF-style: chr16-23380446-G-A. GRCh37 (hg19) VCF-style: chr16-23391767-G-A.
Other names: c.1460G>A, p.Gly487Asp (NM_001410900.1); short protein forms G487D, G523D.
Identifiers: ClinVar variation 3612037 (VCV003612037.2).
Genomic context (GRCh38, chr16:23,380,446, plus strand): 5'-GGCCTGAGCTCACCCCAGCTCCCTGTTCCCCACAGATCGTCTGGCTGCTCTCGAATCTGG[G>A]TGGCCAGTTTGGCTTCTGGATGGGGGGCTCTGTGCTGTGCCTCATCGAGTTTGGGGAGAT-3'
Protein context (NP_000327.2, residues 513-533): NNIVWLLSNL[Gly523Asp]GQFGFWMGGS

ClinVar aggregate classification (germline): Uncertain significance (1 of 4 stars; one submission).

Submission:

Labcorp Genetics (formerly Invitae), Labcorp
Classification: Uncertain significance. Last evaluated: 2025-01-23. Review status: criteria provided, single submitter. Criteria: Invitae Variant Classification Sherloc (09022015). Collection method: clinical testing. Allele origin: germline.
Comment: This sequence change replaces glycine, which is neutral and non-polar, with aspartic acid, which is acidic and polar, at codon 523 of the SCNN1B protein (p.Gly523Asp). This variant is not present in population databases (gnomAD no frequency). This variant has not been reported in the literature in individuals affected with SCNN1B-related conditions. Invitae Evidence Modeling of protein sequence and biophysical properties (such as structural, functional, and spatial information, amino acid conservation, physicochemical variation, residue mobility, and thermodynamic stability) indicates that this missense variant is expected to disrupt SCNN1B protein function with a positive predictive value of 80%. In summary, the available evidence is currently insufficient to determine the role of this variant in disease. Therefore, it has been classified as a Variant of Uncertain Significance.